The following is an entry in ClinVar:

NM_201384.3(PLEC):c.8410C>T (p.Arg2804Cys)

Gene: PLEC (plectin; minus strand). Cytogenetic location: 8q24.3.
Variant type: single nucleotide variant.
Coding change: c.8410C>T on transcript NM_201384.3 (MANE Select); coding-DNA position 8410, C replaced by T.
Protein change: p.Arg2804Cys; replaces arginine 2804 with cysteine.
Molecular consequence: missense variant.
Genome position (GRCh38, 1-based): chr8:143,921,411, G>A on the plus strand (C>T on the coding strand, the complement: PLEC is on the minus strand). VCF-style: chr8-143921411-G-A. GRCh37 (hg19) VCF-style: chr8-144995579-G-A.
Other names: c.8491C>T, p.Arg2831Cys (NM_000445.5); c.8368C>T, p.Arg2790Cys (NM_201378.4); c.8344C>T, p.Arg2782Cys (NM_201379.3); c.8821C>T, p.Arg2941Cys (NM_201380.4); c.8314C>T, p.Arg2772Cys (NM_201381.3); c.8410C>T, p.Arg2804Cys (NM_201382.4); c.8422C>T, p.Arg2808Cys (NM_201383.3); c.8491C>T (NM_000445.3); short protein forms R2804C, R2782C, R2790C, R2941C, R2772C, R2808C, R2831C.
Identifiers: ClinVar variation 646487 (VCV000646487.13), dbSNP rs369084664, ClinGen allele CA4925325.
Genomic context (GRCh38, chr8:143,921,411, plus strand): 5'-CGCGGTGGCTGTGCACGGGGTCGATAACGCCGCCCGTGGCGATCTGGGCCTCCAGCAGGC[G>A]GATGCCGTGCTCCCGGACGATGAGGCCCTTCTGCATGGCTTGGAAGAGAGAGATCTGCTG-3'
Protein context (NP_958786.1, residues 2794-2814): KGLIVREHGI[Arg2804Cys]LLEAQIATGG

ClinVar aggregate classification (germline): Uncertain significance. Review status: criteria provided, multiple submitters, no conflicts (2 of 4 stars). 3 submissions from 3 submitters: Uncertain significance (3). Last evaluated 2025-08-12.

Conditions:
Epidermolysis bullosa simplex, Ogna type (EBS5A). Also called: Pidermolysis bullosa simplex 5A, Ogna type; EPIDERMOLYSIS BULLOSA SIMPLEX 5A, OGNA TYPE. Identifiers: Orphanet 79401, MedGen C0432317, MONDO:0007555, OMIM 131950.
Autosomal recessive limb-girdle muscular dystrophy type 2Q (LGMDR17). Also called: MUSCULAR DYSTROPHY, LIMB-GIRDLE, AUTOSOMAL RECESSIVE 17. Identifiers: Orphanet 254361, MedGen C3150989, MONDO:0013390, OMIM 613723.
Epidermolysis bullosa simplex with nail dystrophy (EBS5D). Identifiers: MedGen C4225309, MONDO:0014661, OMIM 616487.
Epidermolysis bullosa simplex 5B, with muscular dystrophy (EBS5B). Also called: Epidermolysis bullosa simplex with muscular dystrophy; EPIDERMOLYSIS BULLOSA SIMPLEX AND LIMB-GIRDLE MUSCULAR DYSTROPHY. Identifiers: Orphanet 257, MedGen C2931072, MONDO:0009181, OMIM 226670.
Epidermolysis bullosa simplex 5C, with pyloric atresia (EBS5C). Also called: PLEC-Related Epidermolysis Bullosa with Pyloric Atresia; Epidermolysis bullosa simplex with pyloric atresia; PLEC1-Related Epidermolysis Bullosa with Pyloric Atresia. Identifiers: Orphanet 158684, MedGen C2677349, MONDO:0012807, OMIM 612138.
Inborn genetic diseases. Identifiers: MedGen C0950123, MeSH D030342.

Allele frequency attached by ClinVar (database versions not stated): gnomAD 0.00001; TOPMed 0.00002; gnomAD exomes 0.00003 and 0.00004; ExAC 0.00004; ESP Exome Variant Server 0.00016.
gnomAD v4.1: 37 of 1,613,130 alleles (0.0023%); highest among the groups gnomAD compares: East Asian, 0.011%; no homozygotes.

Submissions (3):

Ambry Genetics
Classification: Uncertain significance for Inborn genetic diseases. Last evaluated: 2025-08-12. Review status: criteria provided, single submitter. Criteria: Ambry Variant Classification Scheme 2023. Collection method: clinical testing. Allele origin: germline.

Labcorp Genetics (formerly Invitae), Labcorp
Classification: Uncertain significance for Autosomal recessive limb-girdle muscular dystrophy type 2Q; Epidermolysis bullosa simplex, Ogna type; Epidermolysis bullosa simplex with nail dystrophy; Epidermolysis bullosa simplex 5C, with pyloric atresia; Epidermolysis bullosa simplex 5B, with muscular dystrophy. Last evaluated: 2024-01-05. Review status: criteria provided, single submitter. Criteria: Invitae Variant Classification Sherloc (09022015). Collection method: clinical testing. Allele origin: germline.
Comment: This sequence change replaces arginine, which is basic and polar, with cysteine, which is neutral and slightly polar, at codon 2831 of the PLEC protein (p.Arg2831Cys). This variant is present in population databases (rs369084664, gnomAD 0.006%). This variant has not been reported in the literature in individuals affected with PLEC-related conditions. ClinVar contains an entry for this variant (Variation ID: 646487). An algorithm developed to predict the effect of missense changes on protein structure and function (PolyPhen-2) suggests that this variant is likely to be disruptive. In summary, the available evidence is currently insufficient to determine the role of this variant in disease. Therefore, it has been classified as a Variant of Uncertain Significance.

Revvity Omics, Revvity
Classification: Uncertain significance. Last evaluated: 2021-12-06. Review status: criteria provided, single submitter. Criteria: ACMG Guidelines, 2015. Collection method: clinical testing. Allele origin: germline.